The following is an entry in ClinVar:

ClinVar aggregate classification (germline): Benign/Likely benign. Review status: criteria provided, multiple submitters, no conflicts (2 of 4 stars). 3 submissions from 3 submitters: Benign (2); Likely benign (1). Last evaluated 2026-02-03.

Conditions:
Epileptic encephalopathy. Identifiers: MedGen C0543888, HP:0200134.

Allele frequency attached by ClinVar (database versions not stated): 1000 Genomes Project 30x 0.00078; 1000 Genomes Project 0.00100; gnomAD exomes 0.00313 and 0.00524; TOPMed 0.00319; ExAC 0.00326; gnomAD 0.00348 and 0.00359; ESP Exome Variant Server 0.00415.
gnomAD v4.1: 8,127 of 1,612,718 alleles (0.5%); highest among the groups gnomAD compares: Non-Finnish European, 0.63%; 27 homozygotes.

Submissions (3):

Labcorp Genetics (formerly Invitae), Labcorp
Classification: Benign for Epileptic encephalopathy. Last evaluated: 2026-02-03. Review status: criteria provided, single submitter. Criteria: Invitae Variant Classification Sherloc (09022015). Collection method: clinical testing. Allele origin: germline.

CeGaT Center for Human Genetics Tuebingen
Classification: Likely benign. Last evaluated: 2023-01-01. Review status: criteria provided, single submitter. Criteria: CeGaT Center For Human Genetics Tuebingen Variant Classification Criteria Version 2. Collection method: clinical testing. Allele origin: germline. Affected: yes. Observed: 1 variant allele.
Comment: FASN: BP4, BS2

Breakthrough Genomics
Classification: Benign. Review status: criteria provided, single submitter. Criteria: ACMG Guidelines, 2015. Collection method: not provided. Allele origin: germline. Inheritance: Unknown mechanism. Affected: yes.

NM_004104.5(FASN):c.6374G>A (p.Arg2125Gln)

Gene: FASN (fatty acid synthase; minus strand). Cytogenetic location: 17q25.3.
Variant type: single nucleotide variant.
Coding change: c.6374G>A on transcript NM_004104.5 (MANE Select); coding-DNA position 6374, G replaced by A.
Protein change: p.Arg2125Gln; replaces arginine 2125 with glutamine.
Molecular consequence: missense variant.
Genome position (GRCh38, 1-based): chr17:82,081,633, C>T on the plus strand (G>A on the coding strand, the complement: FASN is on the minus strand). VCF-style: chr17-82081633-C-T. GRCh37 (hg19) VCF-style: chr17-80039509-C-T.
Other names: short protein forms R2125Q.
Identifiers: ClinVar variation 462098 (VCV000462098.36), dbSNP rs145866788, ClinGen allele CA8851330.